The following is an entry in ClinVar:

NM_018896.5(CACNA1G):c.5226+5C>A

Gene: CACNA1G (calcium voltage-gated channel subunit alpha1 G; plus strand). Cytogenetic location: 17q21.33.
Variant type: single nucleotide variant.
Coding change: c.5226+5C>A on transcript NM_018896.5 (MANE Select); 5 bases into the intron after coding-DNA position 5226, C replaced by A.
Molecular consequence: intron variant.
Genome position (GRCh38, 1-based): chr17:50,617,934, C>A. VCF-style: chr17-50617934-C-A. GRCh37 (hg19) VCF-style: chr17-48695295-C-A.
Other names: c.5247+5C>A (NM_001256325.2); c.5193+5C>A (NM_198377.3, NM_198380.3, NM_198378.3 and 1 more transcripts); c.5226+5C>A (NM_198385.3, NM_198384.3, NM_001256333.2); c.5205+26C>A (NM_001256327.2); c.5172+5C>A (NM_001256324.2, NM_198386.3); c.5151+26C>A (NM_001256328.2); c.5118+5C>A (NM_001256360.2); c.5112+5C>A (NM_001256361.2); and 7 more.
Identifiers: ClinVar variation 2742099 (VCV002742099.11), dbSNP rs375878431, ClinGen allele CA8653326.
Genomic context (GRCh38, chr17:50,617,934, plus strand): 5'-AGATGGCTGTGGGCATGCGGGCGCTGCTGGACACGGTGATGCAGGCCCTGCCCCAGGTAG[C>A]CGGGAGGTGGGGGGCCTCTGGGGAGGGGGAGGTGCTTTCCAGAGGGAAGGGGCTCAGAGA-3'

ClinVar aggregate classification (germline): Conflicting classifications of pathogenicity. Review status: criteria provided, conflicting classifications (1 of 4 stars). 3 submissions from 3 submitters: Uncertain significance (1); Likely benign (2). Last evaluated 2025-08-01.

Allele frequency attached by ClinVar (database versions not stated): gnomAD 0.00003; TOPMed 0.00003; ESP Exome Variant Server 0.00008.
gnomAD v4.1: 62 of 1,613,594 alleles (0.0038%); highest among the groups gnomAD compares: Middle Eastern, 0.13%; no homozygotes.

Submissions (3):

CeGaT Center for Human Genetics Tuebingen
Classification: Likely benign. Last evaluated: 2025-08-01. Review status: criteria provided, single submitter. Criteria: CeGaT Center For Human Genetics Tuebingen Variant Classification Criteria Version 2. Collection method: clinical testing. Allele origin: germline. Affected: yes. Observed: 1 variant allele.
Comment: CACNA1G: BP4

Blueprint Genetics
Classification: Likely benign. Last evaluated: 2024-11-21. Review status: criteria provided, single submitter. Criteria: ACMG Guidelines, 2015. Collection method: clinical testing. Allele origin: germline.

Labcorp Genetics (formerly Invitae), Labcorp
Classification: Uncertain significance. Last evaluated: 2023-04-30. Review status: criteria provided, single submitter. Criteria: Invitae Variant Classification Sherloc (09022015). Collection method: clinical testing. Allele origin: germline.
Comment: This sequence change falls in intron 30 of the CACNA1G gene. It does not directly change the encoded amino acid sequence of the CACNA1G protein. It affects a nucleotide within the consensus splice site. This variant is present in population databases (rs375878431, gnomAD 0.009%). This variant has not been reported in the literature in individuals affected with CACNA1G-related conditions. Variants that disrupt the consensus splice site are a relatively common cause of aberrant splicing (PMID: 17576681, 9536098). Algorithms developed to predict the effect of sequence changes on RNA splicing suggest that this variant is not likely to affect RNA splicing. In summary, the available evidence is currently insufficient to determine the role of this variant in disease. Therefore, it has been classified as a Variant of Uncertain Significance.

Literature cited by the submitters: PubMed 17576681 (cited by Labcorp Genetics (formerly Invitae), Labcorp); PubMed 9536098 (cited by Labcorp Genetics (formerly Invitae), Labcorp).